The following is an entry in ClinVar:

NM_001127222.2(CACNA1A):c.4634G>T (p.Arg1545Leu)

Gene: CACNA1A (calcium voltage-gated channel subunit alpha1 A; minus strand). Cytogenetic location: 19p13.13.
Variant type: single nucleotide variant.
Coding change: c.4634G>T on transcript NM_001127222.2 (MANE Select); coding-DNA position 4634, G replaced by T.
Protein change: p.Arg1545Leu; replaces arginine 1545 with leucine.
Molecular consequence: missense variant.
Genome position (GRCh38, 1-based): chr19:13,255,216, C>A on the plus strand (G>T on the coding strand, the complement: CACNA1A is on the minus strand). VCF-style: chr19-13255216-C-A. GRCh37 (hg19) VCF-style: chr19-13366030-C-A.
Other names: c.4646G>T, p.Arg1549Leu (NM_000068.4, NM_023035.3); c.4637G>T, p.Arg1546Leu (NM_001127221.2, NM_001174080.2); short protein forms R1549L, R1546L, R1545L.
Identifiers: ClinVar variation 1967858 (VCV001967858.5), dbSNP rs775048630, ClinGen allele CA9239974.

ClinVar aggregate classification (germline): Uncertain significance (1 of 4 stars; one submission).

Conditions:
Episodic ataxia type 2 (EA2). Also called: ATAXIA, EPISODIC, WITH NYSTAGMUS; ATAXIA, FAMILIAL PAROXYSMAL; CEREBELLAR ATAXIA, PAROXYSMAL, ACETAZOLAMIDE-RESPONSIVE; CEREBELLOPATHY, HEREDITARY PAROXYSMAL; EPISODIC ATAXIA, NYSTAGMUS-ASSOCIATED; ACETAZOLAMIDE-RESPONSIVE HEREDITARY PAROXYSMAL CEREBELLAR ATAXIA. Identifiers: Orphanet 97, MedGen C1720416, MONDO:0007163, OMIM 108500.
Developmental and epileptic encephalopathy, 42 (DEE42A). Also called: Epileptic encephalopathy, early infantile, 42; DEVELOPMENTAL AND EPILEPTIC ENCEPHALOPATHY 42A; EPILEPTIC ENCEPHALOPATHY, EARLY INFANTILE, 42A. Identifiers: MedGen C4310716, MONDO:0014917, OMIM 617106.

Allele frequency attached by ClinVar (database versions not stated): ExAC 0.00001.
gnomAD v4.1: 9 of 1,610,002 alleles (0.00056%); highest among the groups gnomAD compares: Non-Finnish European, 0.000085%; no homozygotes.

Submission:

Labcorp Genetics (formerly Invitae), Labcorp
Classification: Uncertain significance for Developmental and epileptic encephalopathy, 42; Episodic ataxia type 2. Last evaluated: 2021-12-24. Review status: criteria provided, single submitter. Criteria: Invitae Variant Classification Sherloc (09022015). Collection method: clinical testing. Allele origin: germline.
Comment: In summary, the available evidence is currently insufficient to determine the role of this variant in disease. Therefore, it has been classified as a Variant of Uncertain Significance. Advanced modeling of protein sequence and biophysical properties (such as structural, functional, and spatial information, amino acid conservation, physicochemical variation, residue mobility, and thermodynamic stability) performed at Invitae indicates that this missense variant is expected to disrupt CACNA1A protein function. This variant has not been reported in the literature in individuals affected with CACNA1A-related conditions. This variant is present in population databases (rs775048630, gnomAD 0.02%). This sequence change replaces arginine, which is basic and polar, with leucine, which is neutral and non-polar, at codon 1546 of the CACNA1A protein (p.Arg1546Leu).